The following is an entry in ClinVar:

ClinVar aggregate classification (germline): Likely benign (1 of 4 stars; one submission).

Allele frequency attached by ClinVar (database versions not stated): 1000 Genomes Project 0.00040; 1000 Genomes Project 30x 0.00047; ESP Exome Variant Server 0.00068; gnomAD 0.00115; ExAC 0.00119; TOPMed 0.00128; gnomAD exomes 0.00152.
gnomAD v4.1: 2,375 of 1,611,762 alleles (0.15%); highest among the groups gnomAD compares: Admixed American, 0.29%; 5 homozygotes.

Submission:

CeGaT Center for Human Genetics Tuebingen
Classification: Likely benign. Last evaluated: 2023-07-01. Review status: criteria provided, single submitter. Criteria: CeGaT Center For Human Genetics Tuebingen Variant Classification Criteria Version 2. Collection method: clinical testing. Allele origin: germline. Affected: yes. Observed: 1 variant allele.
Comment: TPR: BS2

NM_003292.3(TPR):c.599A>C (p.Glu200Ala)

Gene: TPR (translocated promoter region, nuclear basket protein; minus strand). Cytogenetic location: 1q31.1.
Variant type: single nucleotide variant.
Coding change: c.599A>C on transcript NM_003292.3 (MANE Select); coding-DNA position 599, A replaced by C.
Protein change: p.Glu200Ala; replaces glutamic acid 200 with alanine.
Molecular consequence: missense variant.
Genome position (GRCh38, 1-based): chr1:186,362,934, T>G on the plus strand (A>C on the coding strand, the complement: TPR is on the minus strand). VCF-style: chr1-186362934-T-G. GRCh37 (hg19) VCF-style: chr1-186332066-T-G.
Other names: short protein forms E200A.
Identifiers: ClinVar variation 2578591 (VCV002578591.25), dbSNP rs186229244, ClinGen allele CA1298535.
Genomic context (GRCh38, chr1:186,362,934, plus strand): 5'-AGAATCTCATTCCCTTTTTCTCTTCCAAGAGCCAGAAGTTCATCAGTTTTGGTTTTCAAC[T>G]CTGTATTCAGCCATGTATTCTGACTATGTAGCAATTCCTTTTCTTGCTCCAAGCGTTTTT-3'
Protein context (NP_003283.2, residues 190-210): LHSQNTWLNT[Glu200Ala]LKTKTDELLA